The following is an entry in ClinVar:

ClinVar aggregate classification (germline): Uncertain significance (1 of 4 stars; one submission).

gnomAD v4.1: 3 of 1,451,544 alleles (0.00021%); highest among the groups gnomAD compares: South Asian, 0.0026%; no homozygotes.

Submission:

GeneDx
Classification: Uncertain significance. Last evaluated: 2022-05-13. Review status: criteria provided, single submitter. Criteria: GeneDx Variant Classification Process June 2021. Collection method: clinical testing. Allele origin: germline. Affected: yes.
Comment: Not observed at significant frequency in large population cohorts (gnomAD); In silico analysis supports that this missense variant does not alter protein structure/function; Has not been previously published as pathogenic or benign to our knowledge

NM_003070.5(SMARCA2):c.913C>T (p.Pro305Ser)

Gene: SMARCA2 (SWI/SNF related BAF chromatin remodeling complex subunit ATPase 2; plus strand). Cytogenetic location: 9p24.3.
Variant type: single nucleotide variant.
Coding change: c.913C>T on transcript NM_003070.5 (MANE Select); coding-DNA position 913, C replaced by T.
Protein change: p.Pro305Ser; replaces proline 305 with serine.
Molecular consequence: missense variant.
Genome position (GRCh38, 1-based): chr9:2,047,351, C>T. VCF-style: chr9-2047351-C-T. GRCh37 (hg19) VCF-style: chr9-2047351-C-T.
Other names: c.913C>T, p.Pro305Ser (NM_001289396.2, NM_001289397.2, NM_139045.4); short protein forms P305S.
Identifiers: ClinVar variation 1723560 (VCV001723560.2), dbSNP rs1463598361, ClinGen allele CA372780936.